The following is an entry in ClinVar:

ClinVar aggregate classification (germline): Likely benign. Review status: criteria provided, single submitter (1 of 4 stars). 2 submissions from 2 submitters: Likely benign (1). 1 of the submissions does not count toward it. Last evaluated 2026-01-05.

Conditions:
PHIP-related disorder. Also called: PHIP-related condition; PHIP-related disorders.

Allele frequency attached by ClinVar (database versions not stated): gnomAD exomes 0.00002; gnomAD 0.00019; TOPMed 0.00056.
gnomAD v4.1: 57 of 1,613,854 alleles (0.0035%); highest among the groups gnomAD compares: Admixed American, 0.065%; no homozygotes.

Submissions (2):

Labcorp Genetics (formerly Invitae), Labcorp
Classification: Likely benign. Last evaluated: 2026-01-05. Review status: criteria provided, single submitter. Criteria: Invitae Variant Classification Sherloc (09022015). Collection method: clinical testing. Allele origin: germline.

PreventionGenetics, part of Exact Sciences
Classification: Likely benign for PHIP-related condition. Last evaluated: 2022-04-01. Review status: no assertion criteria provided. Collection method: clinical testing. Allele origin: germline. Not counted in ClinVar's aggregate classification.
Comment: This variant is classified as likely benign based on ACMG/AMP sequence variant interpretation guidelines (Richards et al. 2015 PMID: 25741868, with internal and published modifications).

NM_017934.7(PHIP):c.4953T>C (p.Ser1651=)

Genes: IRAK1BP1 (interleukin 1 receptor associated kinase 1 binding protein 1; plus strand), PHIP (PHIP subunit of CUL4-Ring ligase complex; minus strand). Cytogenetic location: 6q14.1.
Variant type: single nucleotide variant.
Coding change: c.4953T>C on transcript NM_017934.7 (MANE Select); coding-DNA position 4953, T replaced by C.
Protein change: p.Ser1651=; no amino-acid change (serine 1651 retained).
Molecular consequence: synonymous variant.
Genome position (GRCh38, 1-based): chr6:78,941,206, A>G on the plus strand (T>C on the coding strand, the complement: PHIP is on the minus strand). VCF-style: chr6-78941206-A-G. GRCh37 (hg19) VCF-style: chr6-79650923-A-G.
Other names: c.4953T>C (NM_017934.6).
Identifiers: ClinVar variation 2166410 (VCV002166410.6), dbSNP rs923557698, ClinGen allele CA141840951.
Genomic context (GRCh38, chr6:78,941,206, plus strand): 5'-TGGCTTTGCATACTGTAGCTTTTTGGGCTTTCTACCCCTTTTCTTGTGTATAATTTCACC[A>G]CTATTGGTATTAACTTCTACTTTAGGTTTCCTTCCAGGTCCCCTCTTCACAAGTTTTGAT-3'
Protein context (NP_060404.4, residues 1641-1661): RKPKVEVNTN[Ser1651=]GEIIHKKRGR